The following is an entry in ClinVar:

ClinVar aggregate classification (germline): Uncertain significance (1 of 4 stars; one submission).

Conditions:
PURA-related severe neonatal hypotonia-seizures-encephalopathy syndrome (NEDRIHF). Also called: NEURODEVELOPMENTAL DISORDER WITH NEONATAL RESPIRATORY INSUFFICIENCY, HYPOTONIA, AND FEEDING DIFFICULTIES; PURA-Related Neurodevelopmental Disorders. Identifiers: Orphanet 438213, Orphanet 438216, MedGen C4015357, MONDO:1060108, OMIM 616158, MONDO:0018580.

Submission:

Laboratorio de Biologia Molecular/Medicina Genomica - IFF/Fiocruz, Instituto Fernandes Figueira, Fundacao Oswaldo Cruz
Classification: Uncertain significance for PURA-related severe neonatal hypotonia-seizures-encephalopathy syndrome. Last evaluated: 2025-09-02. Review status: criteria provided, single submitter. Criteria: ACMG Guidelines, 2015. Collection method: clinical testing. Allele origin: germline. Affected: yes. Observed: 1 variant allele.
Comment: Variant: c.442del (p.Leu148TrpfsTer77) in exon 1 of the PURA gene. Protein effect: Frameshift variant predicted to undergo NMD in a gene where LoF is a known mechanism of disease. Population database (gnomAD): Absent. ACMG/AMP criteria applied: PVS1_Strong, PM2_Supporting.

NM_005859.5(PURA):c.442del (p.Leu148fs)

Genes: PURA (purine rich element binding protein A; plus strand), LOC129994826 (ATAC-STARR-seq lymphoblastoid active region 23260; plus strand). Cytogenetic location: 5q31.3.
Variant type: Deletion.
Coding change: c.442del on transcript NM_005859.5 (MANE Select); coding-DNA position 442, one base deleted (C; older notation c.442delC).
Protein change: p.Leu148fs; shifts the reading frame from leucine 148.
Molecular consequence: frameshift variant.
Genome position (GRCh38, 1-based): chr5:140,114,623, C deleted; the last of 2 consecutive C bases (chr5:140,114,622-140,114,623); deleting either gives the same sequence. VCF-style (leftmost placement, unchanged base first): chr5-140114621-TC-T. GRCh37 (hg19) VCF-style: chr5-139494206-TC-T.
Other names: short protein forms L148fs.
Identifiers: ClinVar variation 4795184 (VCV004795184.1).